The following is an entry in ClinVar:

NM_003482.4(KMT2D):c.6913G>A (p.Gly2305Ser)

Gene: KMT2D (lysine methyltransferase 2D; minus strand). Cytogenetic location: 12q13.12.
Variant type: single nucleotide variant.
Coding change: c.6913G>A on transcript NM_003482.4 (MANE Select); coding-DNA position 6913, G replaced by A.
Protein change: p.Gly2305Ser; replaces glycine 2305 with serine.
Molecular consequence: missense variant.
Genome position (GRCh38, 1-based): chr12:49,040,857, C>T on the plus strand (G>A on the coding strand, the complement: KMT2D is on the minus strand). VCF-style: chr12-49040857-C-T. GRCh37 (hg19) VCF-style: chr12-49434640-C-T.
Other names: short protein forms G2305S.
Identifiers: ClinVar variation 4983892 (VCV004983892.1).

ClinVar aggregate classification (germline): Uncertain significance (1 of 4 stars; one submission).

Conditions:
KMT2D-related disorder. Also called: KMT2D-Related Disorders.

Submission:

PreventionGenetics, part of Exact Sciences
Classification: Uncertain significance for KMT2D-related condition. Last evaluated: 2024-12-06. Review status: criteria provided, single submitter. Criteria: ACMG Guidelines, 2015. Collection method: clinical testing. Allele origin: germline.
Comment: The KMT2D c.6913G>A variant is predicted to result in the amino acid substitution p.Gly2305Ser. To our knowledge, this variant has not been reported in the literature or in a large population database (gnomAD), indicating this variant is rare. At this time, the clinical significance of this variant is uncertain due to the absence of conclusive functional and genetic evidence.